The following is an entry in ClinVar:

ClinVar aggregate classification (germline): Uncertain significance (1 of 4 stars; one submission).

Conditions:
RASopathy. Also called: Noonan spectrum disorder; rasopathies. Identifiers: Orphanet 536391, MedGen C5555857, MONDO:0021060.

gnomAD v4.1: 1 of 1,613,584 alleles (0.000062%); highest among the groups gnomAD compares: Non-Finnish European, 0.000085%; no homozygotes.

Submission:

Labcorp Genetics (formerly Invitae), Labcorp
Classification: Uncertain significance for RASopathy. Last evaluated: 2023-11-21. Review status: criteria provided, single submitter. Criteria: Invitae Variant Classification Sherloc (09022015). Collection method: clinical testing. Allele origin: germline.
Comment: This sequence change replaces arginine, which is basic and polar, with leucine, which is neutral and non-polar, at codon 366 of the SHOC2 protein (p.Arg366Leu). This variant is not present in population databases (gnomAD no frequency). This variant has not been reported in the literature in individuals affected with SHOC2-related conditions. Advanced modeling of protein sequence and biophysical properties (such as structural, functional, and spatial information, amino acid conservation, physicochemical variation, residue mobility, and thermodynamic stability) performed at Invitae indicates that this missense variant is not expected to disrupt SHOC2 protein function with a negative predictive value of 80%. In summary, the available evidence is currently insufficient to determine the role of this variant in disease. Therefore, it has been classified as a Variant of Uncertain Significance.

NM_007373.4(SHOC2):c.1097G>T (p.Arg366Leu)

Gene: SHOC2 (SHOC2 leucine rich repeat scaffold protein; plus strand). Cytogenetic location: 10q25.2.
Variant type: single nucleotide variant.
Coding change: c.1097G>T on transcript NM_007373.4 (MANE Select); coding-DNA position 1097, G replaced by T.
Protein change: p.Arg366Leu; replaces arginine 366 with leucine.
Molecular consequence: missense variant. On other transcripts: non-coding transcript variant (1).
Genome position (GRCh38, 1-based): chr10:111,004,730, G>T. VCF-style: chr10-111004730-G-T. GRCh37 (hg19) VCF-style: chr10-112764488-G-T.
Other names: c.959G>T, p.Arg320Leu (NM_001269039.3); c.1097G>T, p.Arg366Leu (NM_001324336.2, NM_001324337.2); short protein forms R320L, R366L.
Identifiers: ClinVar variation 2697920 (VCV002697920.3), dbSNP rs1219277268, ClinGen allele CA378523134.